The following is an entry in ClinVar:

NM_000455.5(STK11):c.218_230del (p.Cys73fs)

Gene: STK11 (serine/threonine kinase 11; plus strand). Cytogenetic location: 19p13.3.
Variant type: Deletion.
Coding change: c.218_230del on transcript NM_000455.5 (MANE Select); coding-DNA positions 218 to 230, 13 bases deleted (GCAGGAGGGCCGT).
Protein change: p.Cys73fs; shifts the reading frame from cysteine 73.
Molecular consequence: frameshift variant.
Genome position (GRCh38, 1-based): chr19:1,207,131-1,207,143, GCAGGAGGGCCGT deleted; deleting any 13 consecutive bases within chr19:1,207,129-1,207,143 gives the same sequence; the c. name uses the placement nearest the transcript's 3' end. VCF-style (leftmost placement, unchanged base first): chr19-1207128-TGTGCAGGAGGGCC-T. GRCh37 (hg19) VCF-style: chr19-1207127-TGTGCAGGAGGGCC-T.
Other names: c.218_230delGCAGGAGGGCCGT (NM_000455.4); short protein forms C73fs.
Identifiers: ClinVar variation 182876 (VCV000182876.1), dbSNP rs730881959, ClinGen allele CA022723.

ClinVar aggregate classification (germline): Pathogenic (1 of 4 stars; one submission).

Conditions:
Hereditary cancer-predisposing syndrome. Also called: Tumor predisposition; Hereditary Cancer Syndrome; Hereditary neoplastic syndrome; Neoplastic Syndromes, Hereditary. Identifiers: Orphanet 140162, MedGen C0027672, MeSH D009386, MONDO:0015356.

Submission:

GeneDx
Classification: Pathogenic for Neoplastic Syndromes, Hereditary. Last evaluated: 2014-09-10. Review status: criteria provided, single submitter. Criteria: GeneDx Variant Classification (06012015). Collection method: clinical testing. Allele origin: germline. Affected: yes.
Comment: The c.218_230del13 mutation in the STK11 gene causes a frameshift starting with codon Cysteine 73, changes this amino acid to a Serine residue and creates a premature Stop codon at position 19 of the new reading frame, denoted p.Cys73SerfsX19. This mutation is predicted to cause loss of normal protein function either through protein truncation or nonsense-mediated mRNA decay. Although this mutation has not been previously reported to our knowledge, its presence is consistent with the diagnosis of Peutz-Jeghers syndrome.The variant is found in STK11 panel(s).